The following is an entry in ClinVar:

ClinVar aggregate classification (germline): Uncertain significance. Review status: criteria provided, multiple submitters, no conflicts (2 of 4 stars). 3 submissions from 3 submitters: Uncertain significance (3). Last evaluated 2025-05-21.

Conditions:
Hereditary sensory and autonomic neuropathy with spastic paraplegia (HSNSP). Identifiers: Orphanet 139578, MedGen C1850395, MONDO:0009748, OMIM 256840.

Allele frequency attached by ClinVar (database versions not stated): TOPMed 0.00003; gnomAD exomes 0.00004; ExAC 0.00007; ESP Exome Variant Server 0.00008.
gnomAD v4.1: 42 of 1,613,548 alleles (0.0026%); highest among the groups gnomAD compares: Non-Finnish European, 0.0032%; no homozygotes.

Submissions (4):

Ambry Genetics
Classification: Uncertain significance. Last evaluated: 2025-05-21. Review status: criteria provided, single submitter. Criteria: Ambry Variant Classification Scheme 2023. Collection method: clinical testing. Allele origin: germline.

Labcorp Genetics (formerly Invitae), Labcorp
Classification: Uncertain significance for Hereditary sensory and autonomic neuropathy with spastic paraplegia. Last evaluated: 2023-11-17. Review status: criteria provided, single submitter. Criteria: Invitae Variant Classification Sherloc (09022015). Collection method: clinical testing. Allele origin: germline.
Comment: This sequence change replaces lysine, which is basic and polar, with isoleucine, which is neutral and non-polar, at codon 293 of the CCT5 protein (p.Lys293Ile). This variant is present in population databases (rs148752621, gnomAD 0.009%). This variant has not been reported in the literature in individuals affected with CCT5-related conditions. ClinVar contains an entry for this variant (Variation ID: 350253). Advanced modeling of protein sequence and biophysical properties (such as structural, functional, and spatial information, amino acid conservation, physicochemical variation, residue mobility, and thermodynamic stability) performed at Invitae indicates that this missense variant is not expected to disrupt CCT5 protein function with a negative predictive value of 80%. In summary, the available evidence is currently insufficient to determine the role of this variant in disease. Therefore, it has been classified as a Variant of Uncertain Significance.

Illumina Laboratory Services, Illumina
Classification: Uncertain significance for Hereditary sensory and autonomic neuropathy with spastic paraplegia. Last evaluated: 2018-01-12. Review status: criteria provided, single submitter. Criteria: ICSL Variant Classification Criteria 13 December 2019. Collection method: clinical testing. Allele origin: germline.

Dr. Peter K. Rogan Lab, Western University
No classification provided (evidence only). Condition: Familial cancer of breast. Review status: no classification provided. Collection method: in vitro. Allele origin: not applicable. Functional consequence: retained intron. Not counted in ClinVar's aggregate classification.

NM_012073.5(CCT5):c.878A>T (p.Lys293Ile)

Gene: CCT5 (chaperonin containing TCP1 subunit 5; plus strand). Cytogenetic location: 5p15.2.
Variant type: single nucleotide variant.
Coding change: c.878A>T on transcript NM_012073.5 (MANE Select); coding-DNA position 878, A replaced by T.
Protein change: p.Lys293Ile; replaces lysine 293 with isoleucine.
Molecular consequence: missense variant.
Genome position (GRCh38, 1-based): chr5:10,260,796, A>T. VCF-style: chr5-10260796-A-T. GRCh37 (hg19) VCF-style: chr5-10260908-A-T.
Other names: c.878A>T (NM_012073.4); c.815A>T, p.Lys272Ile (NM_001306153.1); c.713A>T, p.Lys238Ile (NM_001306154.2); c.599A>T, p.Lys200Ile (NM_001306155.2); c.764A>T, p.Lys255Ile (NM_001306156.2); short protein forms K293I, K272I, K238I, K200I, K255I.
Identifiers: ClinVar variation 350253 (VCV000350253.17), dbSNP rs148752621, ClinGen allele CA3198199.